The following is an entry in ClinVar:

ClinVar aggregate classification (germline): Likely benign (1 of 4 stars; one submission).

Allele frequency attached by ClinVar (database versions not stated): 1000 Genomes Project 0.00020; 1000 Genomes Project 30x 0.00031; gnomAD 0.00032; TOPMed 0.00032; ExAC 0.00056.
gnomAD v4.1: 850 of 1,536,038 alleles (0.055%); highest among the groups gnomAD compares: Middle Eastern, 0.23%; 5 homozygotes.

Submission:

CeGaT Center for Human Genetics Tuebingen
Classification: Likely benign. Last evaluated: 2023-03-01. Review status: criteria provided, single submitter. Criteria: CeGaT Center For Human Genetics Tuebingen Variant Classification Criteria Version 2. Collection method: clinical testing. Allele origin: germline. Affected: yes. Observed: 1 variant allele.
Comment: ANKRD36: BP4, BP7

NM_001354587.1(ANKRD36):c.1335T>C (p.Cys445=)

Gene: ANKRD36 (ankyrin repeat domain 36; plus strand). Cytogenetic location: 2q11.2.
Variant type: single nucleotide variant.
Coding change: c.1335T>C on transcript NM_001354587.1 (MANE Select); coding-DNA position 1335, T replaced by C.
Protein change: p.Cys445=; no amino-acid change (cysteine 445 retained).
Molecular consequence: synonymous variant.
Genome position (GRCh38, 1-based): chr2:97,158,601, T>C. VCF-style: chr2-97158601-T-C. GRCh37 (hg19) VCF-style: chr2-97824338-T-C.
Identifiers: ClinVar variation 2651161 (VCV002651161.22), dbSNP rs199723612, ClinGen allele CA1786892.